The following is an entry in ClinVar:

ClinVar aggregate classification (germline): Uncertain significance (1 of 4 stars; one submission).

Submission:

Labcorp Genetics (formerly Invitae), Labcorp
Classification: Uncertain significance. Last evaluated: 2022-03-02. Review status: criteria provided, single submitter. Criteria: Invitae Variant Classification Sherloc (09022015). Collection method: clinical testing. Allele origin: germline.
Comment: In summary, the available evidence is currently insufficient to determine the role of this variant in disease. Therefore, it has been classified as a Variant of Uncertain Significance. Algorithms developed to predict the effect of sequence changes on RNA splicing suggest that this variant may disrupt the consensus splice site. Advanced modeling of protein sequence and biophysical properties (such as structural, functional, and spatial information, amino acid conservation, physicochemical variation, residue mobility, and thermodynamic stability) performed at Invitae indicates that this missense variant is not expected to disrupt CPLANE1 protein function. This variant has not been reported in the literature in individuals affected with CPLANE1-related conditions. This variant is not present in population databases (gnomAD no frequency). This sequence change replaces glutamine, which is neutral and polar, with lysine, which is basic and polar, at codon 2533 of the CPLANE1 protein (p.Gln2533Lys).

NM_001384732.1(CPLANE1):c.7597C>A (p.Gln2533Lys)

Gene: CPLANE1 (ciliogenesis and planar polarity effector complex subunit 1; minus strand). Cytogenetic location: 5p13.2.
Variant type: single nucleotide variant.
Coding change: c.7597C>A on transcript NM_001384732.1 (MANE Select); coding-DNA position 7597, C replaced by A.
Protein change: p.Gln2533Lys; replaces glutamine 2533 with lysine.
Molecular consequence: missense variant.
Genome position (GRCh38, 1-based): chr5:37,162,558, G>T on the plus strand (C>A on the coding strand, the complement: CPLANE1 is on the minus strand). VCF-style: chr5-37162558-G-T. GRCh37 (hg19) VCF-style: chr5-37162660-G-T.
Other names: c.7597C>A, p.Gln2533Lys (NM_023073.4); short protein forms Q2533K.
Identifiers: ClinVar variation 1433822 (VCV001433822.6), dbSNP rs1170297392, ClinGen allele CA359476008.